The following is an entry in ClinVar:

ClinVar aggregate classification (germline): Uncertain significance. Review status: criteria provided, multiple submitters, no conflicts (2 of 4 stars). 2 submissions from 2 submitters: Uncertain significance (2). Last evaluated 2025-06-01.

Conditions:
Cardiovascular phenotype. Identifiers: MedGen CN230736.

Submissions (2):

GeneDx
Classification: Uncertain significance. Last evaluated: 2025-06-01. Review status: criteria provided, single submitter. Criteria: GeneDx Variant Classification Process June 2021. Collection method: clinical testing. Allele origin: germline. Affected: yes.
Comment: Has not been previously published as pathogenic or benign to our knowledge; In silico analysis supports that this missense variant has a deleterious effect on protein structure/function; Not observed at significant frequency in large population cohorts (gnomAD)

Ambry Genetics
Classification: Uncertain significance for Cardiovascular phenotype. Last evaluated: 2025-01-10. Review status: criteria provided, single submitter. Criteria: Ambry Variant Classification Scheme 2023. Collection method: clinical testing. Allele origin: germline.
Comment: The p.V578M variant (also known as c.1732G>A), located in coding exon 16 of the ANK2 gene, results from a G to A substitution at nucleotide position 1732. The valine at codon 578 is replaced by methionine, an amino acid with highly similar properties. This amino acid position is conserved. In addition, the in silico prediction for this alteration is inconclusive. Based on the available evidence, the clinical significance of this variant remains unclear.

NM_001148.6(ANK2):c.1732G>A (p.Val578Met)

Gene: ANK2 (ankyrin 2; plus strand). Cytogenetic location: 4q26.
Variant type: single nucleotide variant.
Coding change: c.1732G>A on transcript NM_001148.6 (MANE Select); coding-DNA position 1732, G replaced by A.
Protein change: p.Val578Met; replaces valine 578 with methionine.
Molecular consequence: missense variant.
Genome position (GRCh38, 1-based): chr4:113,277,885, G>A. VCF-style: chr4-113277885-G-A. GRCh37 (hg19) VCF-style: chr4-114199041-G-A.
Other names: c.1732G>A, p.Val578Met (NM_001354236.2, NM_001354245.2, NM_001354246.2 and 8 more transcripts); c.1777G>A, p.Val593Met (NM_001354237.2, NM_001354240.2, NM_001354241.2 and 5 more transcripts); c.1669G>A, p.Val557Met (NM_001354239.2, NM_001354243.2, NM_001354244.2 and 14 more transcripts); c.1690G>A, p.Val564Met (NM_001354261.2, NM_001386147.1, NM_001386160.1); c.1645G>A, p.Val549Met (NM_001354264.2, NM_001354266.2, NM_001354267.2 and 13 more transcripts); c.1522G>A, p.Val508Met (NM_001354269.3); c.1720G>A, p.Val574Met (NM_001386148.2, NM_001386186.2); c.1534G>A, p.Val512Met (NM_001354273.2); and 4 more; short protein forms V512M, V549M, V557M, V566M, V574M, V578M, V593M, V508M.
Identifiers: ClinVar variation 3864015 (VCV003864015.2).
Genomic context (GRCh38, chr4:113,277,885, plus strand): 5'-TCACATTTTCAGAAGGGTTTTACTCCCCTGCATGTAGCAGCCAAGTATGGAAGCCTGGAT[G>A]TGGCAAAACTTCTCTTGCAACGCCGTGCTGCCGCAGATTCTGCAGGGAAGGTAAAGATTT-3'
Protein context (NP_001139.3, residues 568-588): HVAAKYGSLD[Val578Met]AKLLLQRRAA